The following is an entry in ClinVar:

NM_005476.7(GNE):c.740C>G (p.Thr247Ser)

Gene: GNE (glucosamine (UDP-N-acetyl)-2-epimerase/N-acetylmannosamine kinase; minus strand). Cytogenetic location: 9p13.3.
Variant type: single nucleotide variant.
Coding change: c.740C>G on transcript NM_005476.7 (MANE Select); coding-DNA position 740, C replaced by G.
Protein change: p.Thr247Ser; replaces threonine 247 with serine.
Molecular consequence: missense variant. On other transcripts: intron variant (2).
Genome position (GRCh38, 1-based): chr9:36,236,861, G>C on the plus strand (C>G on the coding strand, the complement: GNE is on the minus strand). VCF-style: chr9-36236861-G-C. GRCh37 (hg19) VCF-style: chr9-36236858-G-C.
Other names: c.833C>G, p.Thr278Ser (NM_001128227.3); c.740C>G, p.Thr247Ser (NM_001190383.3); c.563C>G, p.Thr188Ser (NM_001190388.2, NM_001374798.1); c.440-2729C>G (NM_001190384.3); c.617-2729C>G (NM_001374797.1); short protein forms T278S, T188S, T247S.
Identifiers: ClinVar variation 5003734 (VCV005003734.1).

ClinVar aggregate classification (germline): Uncertain significance (1 of 4 stars; one submission).

Conditions:
GNE myopathy (NM). Also called: INCLUSION BODY MYOPATHY, HEREDITARY, AUTOSOMAL RECESSIVE; INCLUSION BODY MYOPATHY 2, AUTOSOMAL RECESSIVE; MYOPATHY, DISTAL, WITH OR WITHOUT RIMMED VACUOLES; NONAKA DISTAL MYOPATHY; IBM 2; Inclusion body myopathy autosomal recessive. Identifiers: Orphanet 602, MedGen C1853926, MONDO:0011603, OMIM 605820.

gnomAD v4.1: 3 of 1,613,742 alleles (0.00019%); highest among the groups gnomAD compares: Non-Finnish European, 0.00025%; no homozygotes.

Submission:

Myriad Genetics, Inc.
Classification: Uncertain significance for GNE myopathy. Last evaluated: 2026-07-21. Review status: criteria provided, single submitter. Criteria: Myriad Autosomal Dominant, Autosomal Recessive and X-Linked Classification Criteria (2023). Collection method: clinical testing. Allele origin: unknown.
Comment: NM_001128227.2(GNE):c.833C>G(T278S) is a missense variant classified as a variant of uncertain significance in the context of GNE myopathy. T278S has been observed in a case with relevant disease (PMID: 39539755). Relevant functional assessments of this variant are not available in the literature. T278S has not been observed in referenced population frequency databases. In summary, there is insufficient evidence to classify NM_001128227.2(GNE):c.833C>G(T278S) as pathogenic or benign. Please note: this variant was assessed in the context of healthy population screening.

Literature cited by the submitters: PubMed 39539755.